The following is an entry in ClinVar:

NM_005157.6(ABL1):c.3344G>C (p.Ser1115Thr)

Gene: ABL1 (ABL proto-oncogene 1, non-receptor tyrosine kinase; plus strand). Cytogenetic location: 9q34.12.
Variant type: single nucleotide variant.
Coding change: c.3344G>C on transcript NM_005157.6 (MANE Select); coding-DNA position 3344, G replaced by C.
Protein change: p.Ser1115Thr; replaces serine 1115 with threonine.
Molecular consequence: missense variant.
Genome position (GRCh38, 1-based): chr9:130,885,634, G>C. VCF-style: chr9-130885634-G-C. GRCh37 (hg19) VCF-style: chr9-133761021-G-C.
Other names: c.3401G>C (NM_007313.2); c.3401G>C, p.Ser1134Thr (NM_007313.3); short protein forms S1115T, S1134T.
Identifiers: ClinVar variation 2082638 (VCV002082638.6), dbSNP rs144436961, ClinGen allele CA5285913.

ClinVar aggregate classification (germline): Benign/Likely benign. Review status: criteria provided, multiple submitters, no conflicts (2 of 4 stars). 3 submissions from 3 submitters: Benign (1); Likely benign (2). Last evaluated 2026-07-01.

Conditions:
Inborn genetic diseases. Identifiers: MedGen C0950123, MeSH D030342.

Allele frequency attached by ClinVar (database versions not stated): gnomAD exomes 0.00004; ExAC 0.00016; gnomAD 0.00063; TOPMed 0.00070; ESP Exome Variant Server 0.00077.
gnomAD v4.1: 158 of 1,613,280 alleles (0.0098%); highest among the groups gnomAD compares: African/African-American, 0.19%; 1 homozygote.

Submissions (3):

CeGaT Center for Human Genetics Tuebingen
Classification: Likely benign. Last evaluated: 2026-07-01. Review status: criteria provided, single submitter. Criteria: CeGaT Center For Human Genetics Tuebingen Variant Classification Criteria Version 2. Collection method: clinical testing. Allele origin: germline. Affected: yes. Observed: 1 variant allele.
Comment: ABL1: BS1

Labcorp Genetics (formerly Invitae), Labcorp
Classification: Benign. Last evaluated: 2026-01-18. Review status: criteria provided, single submitter. Criteria: Invitae Variant Classification Sherloc (09022015). Collection method: clinical testing. Allele origin: germline.

Ambry Genetics
Classification: Likely benign for Inborn genetic diseases. Last evaluated: 2024-10-06. Review status: criteria provided, single submitter. Criteria: Ambry Variant Classification Scheme 2023. Collection method: clinical testing. Allele origin: germline.